The following is an entry in ClinVar:

ClinVar aggregate classification (germline): Likely pathogenic. Review status: criteria provided, multiple submitters, no conflicts (2 of 4 stars). 2 submissions from 2 submitters: Likely pathogenic (2). Last evaluated 2025-05-07.

Conditions:
MCM3AP-related disorder. Also called: MCM3AP-related condition.

Allele frequency attached by ClinVar (database versions not stated): gnomAD exomes 0.00001; ExAC 0.00002.
gnomAD v4.1: 22 of 1,613,568 alleles (0.0014%); highest among the groups gnomAD compares: Middle Eastern, 0.017%; no homozygotes.

Submissions (2):

Labcorp Genetics (formerly Invitae), Labcorp
Classification: Likely pathogenic. Last evaluated: 2025-05-07. Review status: criteria provided, single submitter. Criteria: Invitae Variant Classification Sherloc (09022015). Collection method: clinical testing. Allele origin: germline.
Comment: This sequence change affects an acceptor splice site in intron 17 of the MCM3AP gene. It is expected to disrupt RNA splicing. Variants that disrupt the donor or acceptor splice site typically lead to a loss of protein function (PMID: 16199547), and loss-of-function variants in MCM3AP are known to be pathogenic (PMID: 28633435). This variant is present in population databases (rs752203227, gnomAD 0.006%). This variant has not been reported in the literature in individuals affected with MCM3AP-related conditions. ClinVar contains an entry for this variant (Variation ID: 2970703). Algorithms developed to predict the effect of sequence changes on RNA splicing suggest that this variant may disrupt the consensus splice site. In summary, the currently available evidence indicates that the variant is pathogenic, but additional data are needed to prove that conclusively. Therefore, this variant has been classified as Likely Pathogenic.

Blueprint Genetics
Classification: Likely pathogenic for MCM3AP-related disorders. Last evaluated: 2022-09-16. Review status: criteria provided, single submitter. Criteria: ACMG Guidelines, 2015. Collection method: clinical testing. Allele origin: germline. Affected: yes. Observed: 3 variant alleles.

Literature cited by the submitters: PubMed 16199547 (cited by Labcorp Genetics (formerly Invitae), Labcorp); PubMed 28633435 (cited by Labcorp Genetics (formerly Invitae), Labcorp).

NM_003906.5(MCM3AP):c.3933-1G>T

Gene: MCM3AP (minichromosome maintenance complex component 3 associated protein; minus strand). Cytogenetic location: 21q22.3.
Variant type: single nucleotide variant.
Coding change: c.3933-1G>T on transcript NM_003906.5 (MANE Select); the canonical splice acceptor site of the intron before coding-DNA position 3933, G replaced by T.
Molecular consequence: splice acceptor variant.
Genome position (GRCh38, 1-based): chr21:46,254,845, C>A on the plus strand (G>T on the coding strand, the complement: MCM3AP is on the minus strand). VCF-style: chr21-46254845-C-A. GRCh37 (hg19) VCF-style: chr21-47674759-C-A.
Identifiers: ClinVar variation 2970703 (VCV002970703.4), dbSNP rs752203227, ClinGen allele CA10076310.